The following is an entry in ClinVar:

NM_000059.4(BRCA2):c.9854C>G (p.Pro3285Arg)

Gene: BRCA2 (BRCA2 DNA repair associated; plus strand). Cytogenetic location: 13q13.1.
Variant type: single nucleotide variant.
Coding change: c.9854C>G on transcript NM_000059.4 (MANE Select); coding-DNA position 9854, C replaced by G.
Protein change: p.Pro3285Arg; replaces proline 3285 with arginine.
Molecular consequence: missense variant.
Genome position (GRCh38, 1-based): chr13:32,398,367, C>G. VCF-style: chr13-32398367-C-G. GRCh37 (hg19) VCF-style: chr13-32972504-C-G.
Other names: c.9758C>G, p.Pro3253Arg (NM_001406719.1); c.9803C>G, p.Pro3268Arg (NM_001406720.1); c.4922C>G, p.Pro1641Arg (NM_001406721.1); c.3437C>G, p.Pro1146Arg (NM_001406722.1); short protein forms P1146R, P3285R, P3253R, P1641R, P3268R.
Identifiers: ClinVar variation 2010732 (VCV002010732.5), dbSNP rs2548564976, ClinGen allele CA387766522.

ClinVar aggregate classification (germline): Uncertain significance. Review status: criteria provided, multiple submitters, no conflicts (2 of 4 stars). 2 submissions from 2 submitters: Uncertain significance (2). Last evaluated 2023-11-14.

Conditions:
Hereditary breast ovarian cancer syndrome. Also called: Hereditary breast and ovarian cancer syndrome (HBOC); Hereditary breast and ovarian cancer syndrome; Hereditary breast and ovarian cancer; Breast and ovarian cancer; BRCA1- and BRCA2-Associated Hereditary Breast and Ovarian Cancer; Hereditary breast and/or ovarian cancer syndrome. Identifiers: Orphanet 145, MedGen C0677776, MeSH D061325, MONDO:0003582. Disease mechanism: loss of function.
Hereditary cancer-predisposing syndrome. Also called: Tumor predisposition; Neoplastic Syndromes, Hereditary; Hereditary Cancer Syndrome; Hereditary neoplastic syndrome. Identifiers: Orphanet 140162, MedGen C0027672, MeSH D009386, MONDO:0015356.

Submissions (2):

Ambry Genetics
Classification: Uncertain significance for Hereditary cancer-predisposing syndrome. Last evaluated: 2023-11-14. Review status: criteria provided, single submitter. Criteria: Ambry Variant Classification Scheme 2023. Collection method: clinical testing. Allele origin: germline.
Comment: The p.P3285R variant (also known as c.9854C>G), located in coding exon 26 of the BRCA2 gene, results from a C to G substitution at nucleotide position 9854. The proline at codon 3285 is replaced by arginine, an amino acid with dissimilar properties. This amino acid position is highly conserved in available vertebrate species. In addition, the in silico prediction for this alteration is inconclusive. Since supporting evidence is limited at this time, the clinical significance of this alteration remains unclear.

Labcorp Genetics (formerly Invitae), Labcorp
Classification: Uncertain significance for Hereditary breast ovarian cancer syndrome. Last evaluated: 2022-06-26. Review status: criteria provided, single submitter. Criteria: Invitae Variant Classification Sherloc (09022015). Collection method: clinical testing. Allele origin: germline.
Comment: This variant has not been reported in the literature in individuals affected with BRCA2-related conditions. This variant is not present in population databases (gnomAD no frequency). This sequence change replaces proline, which is neutral and non-polar, with arginine, which is basic and polar, at codon 3285 of the BRCA2 protein (p.Pro3285Arg). In summary, the available evidence is currently insufficient to determine the role of this variant in disease. Therefore, it has been classified as a Variant of Uncertain Significance. Advanced modeling of protein sequence and biophysical properties (such as structural, functional, and spatial information, amino acid conservation, physicochemical variation, residue mobility, and thermodynamic stability) performed at Invitae indicates that this missense variant is not expected to disrupt BRCA2 protein function.